The following is an entry in ClinVar:

ClinVar aggregate classification (germline): Uncertain significance (1 of 4 stars; one submission).

Conditions:
Early-infantile DEE. Also called: Ohtahara syndrome; Early infantile epileptic encephalopathy; Early infantile epileptic encephalopathy with suppression bursts. Identifiers: Orphanet 1934, MedGen C0393706, MONDO:0800491.

Submission:

Labcorp Genetics (formerly Invitae), Labcorp
Classification: Uncertain significance for Early-infantile DEE. Last evaluated: 2022-03-18. Review status: criteria provided, single submitter. Criteria: Invitae Variant Classification Sherloc (09022015). Collection method: clinical testing. Allele origin: germline.
Comment: This sequence change replaces isoleucine, which is neutral and non-polar, with asparagine, which is neutral and polar, at codon 1098 of the SCN8A protein (p.Ile1098Asn). This variant is not present in population databases (gnomAD no frequency). This variant has not been reported in the literature in individuals affected with SCN8A-related conditions. Algorithms developed to predict the effect of missense changes on protein structure and function are either unavailable or do not agree on the potential impact of this missense change (SIFT: "Deleterious"; PolyPhen-2: "Probably Damaging"; Align-GVGD: "Class C0"). In summary, the available evidence is currently insufficient to determine the role of this variant in disease. Therefore, it has been classified as a Variant of Uncertain Significance.

NM_001330260.2(SCN8A):c.3293T>A (p.Ile1098Asn)

Gene: SCN8A (sodium voltage-gated channel alpha subunit 8; plus strand). Cytogenetic location: 12q13.13.
Variant type: single nucleotide variant.
Coding change: c.3293T>A on transcript NM_001330260.2 (MANE Select); coding-DNA position 3293, T replaced by A.
Protein change: p.Ile1098Asn; replaces isoleucine 1098 with asparagine.
Molecular consequence: missense variant.
Genome position (GRCh38, 1-based): chr12:51,769,256, T>A. VCF-style: chr12-51769256-T-A. GRCh37 (hg19) VCF-style: chr12-52163040-T-A.
Other names: c.3293T>A, p.Ile1098Asn (NM_001177984.3, NM_001369788.1, NM_014191.4); short protein forms I1098N.
Identifiers: ClinVar variation 1484132 (VCV001484132.9), dbSNP rs1238494045, ClinGen allele CA384893466.